The following is an entry in ClinVar:

ClinVar aggregate classification (germline): Uncertain significance (1 of 4 stars; one submission).

Conditions:
Duchenne muscular dystrophy (DMD). Also called: Duchenne Muscular Dystrophy (DMD); MUSCULAR DYSTROPHY, PSEUDOHYPERTROPHIC PROGRESSIVE, DUCHENNE TYPE. Identifiers: Orphanet 98896, MedGen C0013264, MONDO:0010679, OMIM 310200.

Submission:

Labcorp Genetics (formerly Invitae), Labcorp
Classification: Uncertain significance for Duchenne muscular dystrophy. Last evaluated: 2025-10-02. Review status: criteria provided, single submitter. Criteria: Invitae Variant Classification Sherloc (09022015). Collection method: clinical testing. Allele origin: germline.
Comment: This sequence change falls in intron 1 of the DMD gene. It does not directly change the encoded amino acid sequence of the DMD protein. This variant is not present in population databases (gnomAD no frequency). This variant has been observed in individual(s) with clinical features of DMD-related conditions (internal data). ClinVar contains an entry for this variant (Variation ID: 1471996). Algorithms developed to predict the effect of sequence changes on RNA splicing suggest that this variant may disrupt the consensus splice site. In summary, the available evidence is currently insufficient to determine the role of this variant in disease. Therefore, it has been classified as a Variant of Uncertain Significance.

NM_004006.3(DMD):c.31+16C>G

Gene: DMD (dystrophin; minus strand). Cytogenetic location: Xp21.1.
Variant type: single nucleotide variant.
Coding change: c.31+16C>G on transcript NM_004006.3 (MANE Select); 16 bases into the intron after coding-DNA position 31, C replaced by G.
Molecular consequence: intron variant.
Genome position (GRCh38, 1-based): chrX:33,211,266, G>C on the plus strand (C>G on the coding strand, the complement: DMD is on the minus strand). VCF-style: chrX-33211266-G-C. GRCh37 (hg19) VCF-style: chrX-33229383-G-C.
Other names: c.7+127993C>G (NM_000109.4).
Identifiers: ClinVar variation 1471996 (VCV001471996.6), dbSNP rs2148863935, ClinGen allele CA2573158714.